The following is an entry in ClinVar:

ClinVar aggregate classification (germline): Uncertain significance (1 of 4 stars; one submission).

Conditions:
Primary dilated cardiomyopathy (DCM). Also called: Dilated Cardiomyopathy. Identifiers: Orphanet 217604, MedGen C0007193, MeSH D002311, MONDO:0005021, HP:0001644. Inheritance: Various modes of inheritance.

Allele frequency attached by ClinVar (database versions not stated): gnomAD exomes below 0.00001; gnomAD 0.00001; TOPMed 0.00001.
gnomAD v4.1: 3 of 1,610,478 alleles (0.00019%); highest among the groups gnomAD compares: African/African-American, 0.004%; no homozygotes.

Submission:

Labcorp Genetics (formerly Invitae), Labcorp
Classification: Uncertain significance for Primary dilated cardiomyopathy. Last evaluated: 2022-07-05. Review status: criteria provided, single submitter. Criteria: Invitae Variant Classification Sherloc (09022015). Collection method: clinical testing. Allele origin: germline.
Comment: This variant is present in population databases (no rsID available, gnomAD 0.01%). In summary, the available evidence is currently insufficient to determine the role of this variant in disease. Therefore, it has been classified as a Variant of Uncertain Significance. Algorithms developed to predict the effect of missense changes on protein structure and function are either unavailable or do not agree on the potential impact of this missense change (SIFT: "Tolerated"; PolyPhen-2: "Probably Damaging"; Align-GVGD: "Class C0"). ClinVar contains an entry for this variant (Variation ID: 1410165). This variant has not been reported in the literature in individuals affected with NEBL-related conditions. This sequence change replaces serine, which is neutral and polar, with threonine, which is neutral and polar, at codon 515 of the NEBL protein (p.Ser515Thr).

NM_006393.3(NEBL):c.1543T>A (p.Ser515Thr)

Gene: NEBL (nebulette; minus strand). Cytogenetic location: 10p12.31.
Variant type: single nucleotide variant.
Coding change: c.1543T>A on transcript NM_006393.3 (MANE Select); coding-DNA position 1543, T replaced by A.
Protein change: p.Ser515Thr; replaces serine 515 with threonine.
Molecular consequence: missense variant. On other transcripts: intron variant (9).
Genome position (GRCh38, 1-based): chr10:20,831,490, A>T on the plus strand (T>A on the coding strand, the complement: NEBL is on the minus strand). VCF-style: chr10-20831490-A-T. GRCh37 (hg19) VCF-style: chr10-21120419-A-T.
Other names: c.250-18550T>A (NM_001377326.1, NM_001377327.1, NM_001377328.1); c.358-18550T>A (NM_213569.2, NM_001173484.2, NM_001377322.1); c.301-18550T>A (NM_001377324.1); c.292-18550T>A (NM_001377325.1); c.310-18550T>A (NM_001377323.1); short protein forms S515T.
Identifiers: ClinVar variation 1410165 (VCV001410165.8), dbSNP rs990217100, ClinGen allele CA204164087.
Genomic context (GRCh38, chr10:20,831,490, plus strand): 5'-TCACGGCATTTATTTTAAACTTTGTATCTTGCTGCTGTCTTACCTGGCTGGCCATCTCGG[A>T]TGCTTTCTTAGCTCTCTGGACATCAAGAGTGTCTGTGCTCACCTGCATCCCTTTCCCTTT-3'
Protein context (NP_006384.1, residues 505-525): TLDVQRAKKA[Ser515Thr]EMASQKQYKK